The following is an entry in ClinVar:

NM_031407.7(HUWE1):c.9695G>A (p.Arg3232His)

Gene: HUWE1 (HECT, UBA and WWE domain containing E3 ubiquitin protein ligase 1; minus strand). Cytogenetic location: Xp11.22.
Variant type: single nucleotide variant.
Coding change: c.9695G>A on transcript NM_031407.7 (MANE Select); coding-DNA position 9695, G replaced by A.
Protein change: p.Arg3232His; replaces arginine 3232 with histidine.
Molecular consequence: missense variant.
Genome position (GRCh38, 1-based): chrX:53,549,299, C>T on the plus strand (G>A on the coding strand, the complement: HUWE1 is on the minus strand). VCF-style: chrX-53549299-C-T. GRCh37 (hg19) VCF-style: chrX-53576260-C-T.
Other names: c.9692G>A, p.Arg3231His (NM_001441048.1, NM_001441051.1, NM_001441053.1 and 2 more transcripts); c.9695G>A, p.Arg3232His (NM_001441049.1, NM_001441054.1, NM_001441057.1); c.9716G>A, p.Arg3239His (NM_001441050.1, NM_001441055.1); c.9293G>A, p.Arg3098His (NM_001441052.1); short protein forms R3098H, R3231H, R3232H, R3239H.
Identifiers: ClinVar variation 4082791 (VCV004082791.1).

ClinVar aggregate classification (germline): Uncertain significance (1 of 4 stars; one submission).

gnomAD v4.1: 2 of 1,211,613 alleles (0.00017%); highest among the groups gnomAD compares: Non-Finnish European, 0.00022%; no homozygotes.

Submission:

GeneDx
Classification: Uncertain significance. Last evaluated: 2025-02-27. Review status: criteria provided, single submitter. Criteria: GeneDx Variant Classification Process June 2021. Collection method: clinical testing. Allele origin: germline. Affected: yes.
Comment: Not observed at significant frequency in large population cohorts (gnomAD); In silico analysis supports that this missense variant has a deleterious effect on protein structure/function; Has not been previously published as pathogenic or benign to our knowledge